The following is an entry in ClinVar:

ClinVar aggregate classification (germline): Uncertain significance (1 of 4 stars; one submission).

Submission:

Ambry Genetics
Classification: Uncertain significance. Last evaluated: 2023-10-08. Review status: criteria provided, single submitter. Criteria: Ambry Variant Classification Scheme 2023. Collection method: clinical testing. Allele origin: germline.
Comment: The p.F500C variant (also known as c.1499T>G), located in coding exon 13 of the BUB1 gene, results from a T to G substitution at nucleotide position 1499. The phenylalanine at codon 500 is replaced by cysteine, an amino acid with highly dissimilar properties. This amino acid position is conserved. In addition, the in silico prediction for this alteration is inconclusive. Since supporting evidence is limited at this time, the clinical significance of this alteration remains unclear.

NM_004336.5(BUB1):c.1499T>G (p.Phe500Cys)

Gene: BUB1 (BUB1 mitotic checkpoint serine/threonine kinase; minus strand). Cytogenetic location: 2q13.
Variant type: single nucleotide variant.
Coding change: c.1499T>G on transcript NM_004336.5 (MANE Select); coding-DNA position 1499, T replaced by G.
Protein change: p.Phe500Cys; replaces phenylalanine 500 with cysteine.
Molecular consequence: missense variant.
Genome position (GRCh38, 1-based): chr2:110,658,427, A>C on the plus strand (T>G on the coding strand, the complement: BUB1 is on the minus strand). VCF-style: chr2-110658427-A-C. GRCh37 (hg19) VCF-style: chr2-111416004-A-C.
Other names: c.1439T>G, p.Phe480Cys (NM_001278616.2); c.1499T>G, p.Phe500Cys (NM_001278617.2); short protein forms F480C, F500C.
Identifiers: ClinVar variation 3224004 (VCV003224004.1), dbSNP rs745700852, ClinGen allele CA348212273.